The following is an entry in ClinVar:

NM_001845.6(COL4A1):c.2711A>G (p.Glu904Gly)

Gene: COL4A1 (collagen type IV alpha 1 chain; minus strand). Cytogenetic location: 13q34.
Variant type: single nucleotide variant.
Coding change: c.2711A>G on transcript NM_001845.6 (MANE Select); coding-DNA position 2711, A replaced by G.
Protein change: p.Glu904Gly; replaces glutamic acid 904 with glycine.
Molecular consequence: missense variant.
Genome position (GRCh38, 1-based): chr13:110,177,847, T>C on the plus strand (A>G on the coding strand, the complement: COL4A1 is on the minus strand). VCF-style: chr13-110177847-T-C. GRCh37 (hg19) VCF-style: chr13-110830194-T-C.
Other names: short protein forms E904G.
Identifiers: ClinVar variation 2990956 (VCV002990956.3), dbSNP rs908641522, ClinGen allele CA256255364.

ClinVar aggregate classification (germline): Uncertain significance (1 of 4 stars; one submission).

Allele frequency attached by ClinVar (database versions not stated): TOPMed below 0.00001.

Submission:

Labcorp Genetics (formerly Invitae), Labcorp
Classification: Uncertain significance. Last evaluated: 2023-12-05. Review status: criteria provided, single submitter. Criteria: Invitae Variant Classification Sherloc (09022015). Collection method: clinical testing. Allele origin: germline.
Comment: This sequence change replaces glutamic acid, which is acidic and polar, with glycine, which is neutral and non-polar, at codon 904 of the COL4A1 protein (p.Glu904Gly). This variant is not present in population databases (gnomAD no frequency). This variant has not been reported in the literature in individuals affected with COL4A1-related conditions. An algorithm developed to predict the effect of missense changes on protein structure and function (PolyPhen-2) suggests that this variant is likely to be tolerated. In summary, the available evidence is currently insufficient to determine the role of this variant in disease. Therefore, it has been classified as a Variant of Uncertain Significance.